The following is an entry in ClinVar:

NM_001082486.2(ACD):c.-5T>C

Gene: ACD (ACD shelterin complex subunit and telomerase recruitment factor; minus strand). Cytogenetic location: 16q22.1.
Variant type: single nucleotide variant.
Coding change: c.-5T>C on transcript NM_001082486.2 (MANE Select); 5 bases upstream of the start codon, T replaced by C.
Molecular consequence: 5 prime UTR variant.
Genome position (GRCh38, 1-based): chr16:67,660,225, A>G on the plus strand (T>C on the coding strand, the complement: ACD is on the minus strand). VCF-style: chr16-67660225-A-G. GRCh37 (hg19) VCF-style: chr16-67694128-A-G.
Other names: c.-5T>C (NM_001410884.1, NM_022914.3).
Identifiers: ClinVar variation 1792938 (VCV001792938.3), dbSNP rs2052978830, ClinGen allele CA396359229.

ClinVar aggregate classification (germline): Conflicting classifications of pathogenicity. Review status: criteria provided, conflicting classifications (1 of 4 stars). 2 submissions from 2 submitters: Uncertain significance (1); Likely benign (1). Last evaluated 2025-11-18.

Conditions:
Inborn genetic diseases. Identifiers: MedGen C0950123, MeSH D030342.
Dyskeratosis congenita, autosomal dominant 6 (DKCA6). Identifiers: Orphanet 3322, MedGen C4225284, MONDO:0014690, OMIM 616553.

Allele frequency attached by ClinVar (database versions not stated): gnomAD exomes below 0.00001.
gnomAD v4.1: 2 of 1,612,386 alleles (0.00012%); highest among the groups gnomAD compares: East Asian, 0.0022%; no homozygotes.

Submissions (2):

Labcorp Genetics (formerly Invitae), Labcorp
Classification: Uncertain significance for Dyskeratosis congenita, autosomal dominant 6. Last evaluated: 2025-11-18. Review status: criteria provided, single submitter. Criteria: Invitae Variant Classification Sherloc (09022015). Collection method: clinical testing. Allele origin: germline.
Comment: This sequence change replaces valine, which is neutral and non-polar, with alanine, which is neutral and non-polar, at codon 85 of the ACD protein (p.Val85Ala). This variant is not present in population databases (gnomAD no frequency). This variant has not been reported in the literature in individuals affected with ACD-related conditions. ClinVar contains an entry for this variant (Variation ID: 1792938). An algorithm developed to predict the effect of missense changes on protein structure and function outputs the following: PolyPhen-2: "Benign". The alanine amino acid residue is found in multiple mammalian species, which suggests that this missense change does not adversely affect protein function. In summary, the available evidence is currently insufficient to determine the role of this variant in disease. Therefore, it has been classified as a Variant of Uncertain Significance.

Ambry Genetics
Classification: Likely benign for Inborn genetic diseases. Last evaluated: 2021-11-16. Review status: criteria provided, single submitter. Criteria: Ambry Variant Classification Scheme 2023. Collection method: clinical testing. Allele origin: germline.